The following is an entry in ClinVar:

ClinVar aggregate classification (germline): Benign (1 of 4 stars; one submission).

Allele frequency attached by ClinVar (database versions not stated): 1000 Genomes Project 30x 0.00047; 1000 Genomes Project 0.00060; TOPMed 0.00110; gnomAD 0.00112; ExAC 0.00187; ESP Exome Variant Server 0.00200.

Submission:

CeGaT Center for Human Genetics Tuebingen
Classification: Benign. Last evaluated: 2023-03-01. Review status: criteria provided, single submitter. Criteria: CeGaT Center For Human Genetics Tuebingen Variant Classification Criteria Version 2. Collection method: clinical testing. Allele origin: germline. Affected: yes. Observed: 3 variant alleles.
Comment: HOXB13: BS1, BS2

NM_006361.6(HOXB13):c.601+49G>A

Gene: HOXB13 (homeobox B13; minus strand). Cytogenetic location: 17q21.32.
Variant type: single nucleotide variant.
Coding change: c.601+49G>A on transcript NM_006361.6 (MANE Select); 49 bases into the intron after coding-DNA position 601, G replaced by A.
Molecular consequence: intron variant.
Genome position (GRCh38, 1-based): chr17:48,727,944, C>T on the plus strand (G>A on the coding strand, the complement: HOXB13 is on the minus strand). VCF-style: chr17-48727944-C-T. GRCh37 (hg19) VCF-style: chr17-46805306-C-T.
Identifiers: ClinVar variation 2498711 (VCV002498711.28), dbSNP rs200606700, ClinGen allele CA8633953.